The following is an entry in ClinVar:

ClinVar aggregate classification (germline): Likely pathogenic (1 of 4 stars; one submission).

Conditions:
Glycine encephalopathy. Also called: Non-ketotic hyperglycinemia; Nonketotic hyperglycinemia. Identifiers: Orphanet 407, MedGen C0751748, MONDO:0011612, HP:0008288.

Submission:

Myriad Genetics, Inc.
Classification: Likely pathogenic for Glycine encephalopathy 1. Last evaluated: 2019-09-30. Review status: criteria provided, single submitter. Criteria: Myriad Women's Health Autosomal Recessive and X-Linked Classification Criteria (2019). Collection method: clinical testing. Allele origin: unknown.
Comment: NM_000170.2(GLDC):c.1774C>T(Q592*) is expected to be pathogenic in the context of GLDC-related glycine encephalopathy. This variant is predicted to lead to an abnormal or absent protein product due to the creation of a premature termination codon in GLDC, a gene where loss-of-function variants are known to be pathogenic. Please note: this variant was assessed in the context of healthy population screening.

NM_000170.3(GLDC):c.1774C>T (p.Gln592Ter)

Gene: GLDC (glycine decarboxylase; minus strand). Cytogenetic location: 9p24.1.
Variant type: single nucleotide variant.
Coding change: c.1774C>T on transcript NM_000170.3 (MANE Select); coding-DNA position 1774, C replaced by T.
Protein change: p.Gln592Ter; replaces glutamine 592 with a stop codon.
Molecular consequence: nonsense.
Genome position (GRCh38, 1-based): chr9:6,587,217, G>A on the plus strand (C>T on the coding strand, the complement: GLDC is on the minus strand). VCF-style: chr9-6587217-G-A. GRCh37 (hg19) VCF-style: chr9-6587217-G-A.
Other names: short protein forms Q592*.
Identifiers: ClinVar variation 983837 (VCV000983837.3), dbSNP rs1818289122, ClinGen allele CA372891586.
Genomic context (GRCh38, chr9:6,587,217, plus strand): 5'-AGACCTGGTCATAACCTGTGAGTTCACACAAATCCTTCTCAAGCTCTCGGAAAAGCTGCT[G>A]ATATCCTTGAGCTTGATCCAGAGGCACAAAGGGGTGGATGTTTGCAAATTCTTTCCATGT-3'